The following is an entry in ClinVar:

NM_014423.4(AFF4):c.490C>T (p.Arg164Trp)

Gene: AFF4 (ALF transcription elongation factor 4; minus strand). Cytogenetic location: 5q31.1.
Variant type: single nucleotide variant.
Coding change: c.490C>T on transcript NM_014423.4 (MANE Select); coding-DNA position 490, C replaced by T.
Protein change: p.Arg164Trp; replaces arginine 164 with tryptophan.
Molecular consequence: missense variant.
Genome position (GRCh38, 1-based): chr5:132,934,575, G>A on the plus strand (C>T on the coding strand, the complement: AFF4 is on the minus strand). VCF-style: chr5-132934575-G-A. GRCh37 (hg19) VCF-style: chr5-132270267-G-A.
Other names: short protein forms R164W.
Identifiers: ClinVar variation 2717805 (VCV002717805.3), dbSNP rs764099110, ClinGen allele CA3409423.
Genomic context (GRCh38, chr5:132,934,575, plus strand): 5'-GTTTTCCAGGGCTGGAAGAACGTGATTTGGAGTGTTCTGATCCATGCTGGCCTTTTTTCC[G>A]GCTACTGCTCCCACTATTGTTATATGACTCACGGTCGTGCCTCTGACCACTACTGTTAGT-3'
Protein context (NP_055238.1, residues 154-174): ESYNNSGSSS[Arg164Trp]KKGQHGSEHS

ClinVar aggregate classification (germline): Uncertain significance (1 of 4 stars; one submission).

Conditions:
Cognitive impairment - coarse facies - heart defects - obesity - pulmonary involvement - short stature - skeletal dysplasia syndrome. Also called: COGNITIVE IMPAIRMENT, COARSE FACIES, HEART DEFECTS, OBESITY, PULMONARY INVOLVEMENT, SHORT STATURE, AND SKELETAL DYSPLASIA; Chops syndrome; AFF4-Related CHOPS Syndrome. Identifiers: Orphanet 444077, MedGen C4085597, MONDO:0014609, OMIM 616368.

Allele frequency attached by ClinVar (database versions not stated): gnomAD 0.00001; gnomAD exomes 0.00001; TOPMed 0.00002; ExAC 0.00004.
gnomAD v4.1: 20 of 1,613,828 alleles (0.0012%); highest among the groups gnomAD compares: Non-Finnish European, 0.0014%; no homozygotes.

Submission:

Labcorp Genetics (formerly Invitae), Labcorp
Classification: Uncertain significance for Cognitive impairment - coarse facies - heart defects - obesity - pulmonary involvement - short stature - skeletal dysplasia syndrome. Last evaluated: 2025-02-27. Review status: criteria provided, single submitter. Criteria: Invitae Variant Classification Sherloc (09022015). Collection method: clinical testing. Allele origin: germline.
Comment: This sequence change replaces arginine, which is basic and polar, with tryptophan, which is neutral and slightly polar, at codon 164 of the AFF4 protein (p.Arg164Trp). This variant is present in population databases (rs764099110, gnomAD 0.004%). This variant has not been reported in the literature in individuals affected with AFF4-related conditions. ClinVar contains an entry for this variant (Variation ID: 2717805). An algorithm developed to predict the effect of missense changes on protein structure and function (PolyPhen-2) suggests that this variant is likely to be disruptive. In summary, the available evidence is currently insufficient to determine the role of this variant in disease. Therefore, it has been classified as a Variant of Uncertain Significance.